The following is an entry in ClinVar:

NM_000059.4(BRCA2):c.4224G>A (p.Gln1408=)

Gene: BRCA2 (BRCA2 DNA repair associated; plus strand). Cytogenetic location: 13q13.1.
Variant type: single nucleotide variant.
Coding change: c.4224G>A on transcript NM_000059.4 (MANE Select); coding-DNA position 4224, G replaced by A.
Protein change: p.Gln1408=; no amino-acid change (glutamine 1408 retained).
Molecular consequence: synonymous variant.
Genome position (GRCh38, 1-based): chr13:32,338,579, G>A. VCF-style: chr13-32338579-G-A. GRCh37 (hg19) VCF-style: chr13-32912716-G-A.
Identifiers: ClinVar variation 215605 (VCV000215605.16), dbSNP rs863224306, ClinGen allele CA337867.

ClinVar aggregate classification (germline): Likely benign. Review status: reviewed by expert panel (3 of 4 stars). 4 submissions from 4 submitters: Likely benign (1). 3 of the submissions do not count toward it. Last evaluated 2017-06-29.

Conditions:
Hereditary cancer-predisposing syndrome. Also called: Tumor predisposition; Hereditary neoplastic syndrome; Hereditary Cancer Syndrome; Neoplastic Syndromes, Hereditary. Identifiers: Orphanet 140162, MedGen C0027672, MeSH D009386, MONDO:0015356.
Hereditary breast ovarian cancer syndrome. Also called: Hereditary breast and ovarian cancer; Breast and ovarian cancer; BRCA1- and BRCA2-Associated Hereditary Breast and Ovarian Cancer; Hereditary breast and/or ovarian cancer syndrome; Hereditary breast and ovarian cancer syndrome; Hereditary breast and ovarian cancer syndrome (HBOC). Identifiers: Orphanet 145, MedGen C0677776, MeSH D061325, MONDO:0003582. Disease mechanism: loss of function.
Breast-ovarian cancer, familial, susceptibility to, 2 (BROVCA2). Also called: BRCA2 Hereditary Breast and Ovarian Cancer. Identifiers: Orphanet 145, MedGen C2675520, MONDO:0012933, OMIM 612555. Disease mechanism: loss of function.

Allele frequency attached by ClinVar (database versions not stated): gnomAD exomes below 0.00001.
gnomAD v4.1: 1 of 1,597,836 alleles (0.000063%); highest among the groups gnomAD compares: Non-Finnish European, 0.000085%; no homozygotes.

Submissions (4):

Evidence-based Network for the Interpretation of Germline Mutant Alleles (ENIGMA)
Classification: Likely benign for Breast-ovarian cancer, familial, susceptibility to, 2. Last evaluated: 2017-06-29. Review status: reviewed by expert panel. Criteria: ENIGMA BRCA1/2 Classification Criteria (2017-06-29). Collection method: curation. Allele origin: germline.
Comment: Synonymous substitution variant, with low bioinformatic likelihood to result in a splicing aberration (Splicing prior probability 0.02).

Ambry Genetics
Classification: Likely benign for Hereditary cancer-predisposing syndrome. Last evaluated: 2026-03-12. Review status: criteria provided, single submitter. Criteria: Ambry Variant Classification Scheme 2023. Collection method: clinical testing. Allele origin: germline. Not counted in ClinVar's aggregate classification.

Labcorp Genetics (formerly Invitae), Labcorp
Classification: Likely benign for Hereditary breast ovarian cancer syndrome. Last evaluated: 2023-03-13. Review status: criteria provided, single submitter. Criteria: Invitae Variant Classification Sherloc (09022015). Collection method: clinical testing. Allele origin: germline. Not counted in ClinVar's aggregate classification.

Quest Diagnostics Nichols Institute San Juan Capistrano
Classification: Likely benign. Last evaluated: 2022-10-11. Review status: criteria provided, single submitter. Criteria: Quest Diagnostics criteria. Collection method: clinical testing. Allele origin: unknown. Not counted in ClinVar's aggregate classification.

Literature cited by the submitters: PubMed 20104584 (cited by Quest Diagnostics Nichols Institute San Juan Capistrano).